The following is an entry in ClinVar:

NM_016341.4(PLCE1):c.230G>A (p.Arg77Lys)

Gene: PLCE1 (phospholipase C epsilon 1; plus strand). Cytogenetic location: 10q23.33.
Variant type: single nucleotide variant.
Coding change: c.230G>A on transcript NM_016341.4 (MANE Select); coding-DNA position 230, G replaced by A.
Protein change: p.Arg77Lys; replaces arginine 77 with lysine.
Molecular consequence: missense variant.
Genome position (GRCh38, 1-based): chr10:94,031,276, G>A. VCF-style: chr10-94031276-G-A. GRCh37 (hg19) VCF-style: chr10-95791033-G-A.
Other names: c.230G>A, p.Arg77Lys (NM_001288989.2); c.230G>A (NM_016341.3); short protein forms R77K.
Identifiers: ClinVar variation 1911623 (VCV001911623.7), dbSNP rs368296510, ClinGen allele CA5612097.

ClinVar aggregate classification (germline): Uncertain significance. Review status: criteria provided, multiple submitters, no conflicts (2 of 4 stars). 3 submissions from 3 submitters: Uncertain significance (3). Last evaluated 2024-01-10.

Conditions:
Inborn genetic diseases. Identifiers: MedGen C0950123, MeSH D030342.
Nephrotic syndrome, type 3 (NPHS3). Also called: NEPHROTIC SYNDROME, EARLY-ONSET, TYPE 3. Identifiers: Orphanet 656, MedGen C1853124, MONDO:0012546, OMIM 610725.

Allele frequency attached by ClinVar (database versions not stated): gnomAD exomes 0.00001; ExAC 0.00003; gnomAD 0.00010; TOPMed 0.00011; ESP Exome Variant Server 0.00025.
gnomAD v4.1: 32 of 1,613,740 alleles (0.002%); highest among the groups gnomAD compares: African/African-American, 0.035%; no homozygotes.

Submissions (3):

Fulgent Genetics
Classification: Uncertain significance for Nephrotic syndrome, type 3. Last evaluated: 2024-01-10. Review status: criteria provided, single submitter. Criteria: ACMG Guidelines, 2015. Collection method: clinical testing. Allele origin: germline.

Ambry Genetics
Classification: Uncertain significance for Inborn genetic diseases. Last evaluated: 2023-10-20. Review status: criteria provided, single submitter. Criteria: Ambry Variant Classification Scheme 2023. Collection method: clinical testing. Allele origin: germline.

Labcorp Genetics (formerly Invitae), Labcorp
Classification: Uncertain significance. Last evaluated: 2022-07-19. Review status: criteria provided, single submitter. Criteria: Invitae Variant Classification Sherloc (09022015). Collection method: clinical testing. Allele origin: germline.
Comment: In summary, the available evidence is currently insufficient to determine the role of this variant in disease. Therefore, it has been classified as a Variant of Uncertain Significance. Algorithms developed to predict the effect of missense changes on protein structure and function output the following: SIFT: "Deleterious"; PolyPhen-2: "Benign"; Align-GVGD: "Class C0". The lysine amino acid residue is found in multiple mammalian species, which suggests that this missense change does not adversely affect protein function. This variant has not been reported in the literature in individuals affected with PLCE1-related conditions. This variant is present in population databases (rs368296510, gnomAD 0.05%). This sequence change replaces arginine, which is basic and polar, with lysine, which is basic and polar, at codon 77 of the PLCE1 protein (p.Arg77Lys).